The following is an entry in ClinVar:

NM_006379.5(SEMA3C):c.1895C>T (p.Ser632Phe)

Gene: SEMA3C (semaphorin 3C; minus strand). Cytogenetic location: 7q21.11.
Variant type: single nucleotide variant.
Coding change: c.1895C>T on transcript NM_006379.5 (MANE Select); coding-DNA position 1895, C replaced by T.
Protein change: p.Ser632Phe; replaces serine 632 with phenylalanine.
Molecular consequence: missense variant.
Genome position (GRCh38, 1-based): chr7:80,745,255, G>A on the plus strand (C>T on the coding strand, the complement: SEMA3C is on the minus strand). VCF-style: chr7-80745255-G-A. GRCh37 (hg19) VCF-style: chr7-80374571-G-A.
Other names: c.1895C>T (NM_006379.3); c.1949C>T, p.Ser650Phe (NM_001350120.2); c.1721C>T, p.Ser574Phe (NM_001350121.2); short protein forms S574F, S632F, S650F.
Identifiers: ClinVar variation 2629081 (VCV002629081.3), dbSNP rs757381855, ClinGen allele CA4315944.

ClinVar aggregate classification (germline): Uncertain significance. Review status: criteria provided, multiple submitters, no conflicts (2 of 4 stars). 2 submissions from 2 submitters: Uncertain significance (2). Last evaluated 2026-04-10.

Conditions:
SEMA3C-related disorder. Also called: SEMA3C-related condition.

Allele frequency attached by ClinVar (database versions not stated): ExAC 0.00002; TOPMed 0.00003; gnomAD 0.00005.
gnomAD v4.1: 12 of 1,613,886 alleles (0.00074%); highest among the groups gnomAD compares: African/African-American, 0.008%; no homozygotes.

Submissions (2):

PreventionGenetics, part of Exact Sciences
Classification: Uncertain significance for SEMA3C-related condition. Last evaluated: 2026-04-10. Review status: criteria provided, single submitter. Criteria: ACMG Guidelines, 2015. Collection method: clinical testing. Allele origin: germline.
Comment: The SEMA3C c.1949C>T variant is predicted to result in the amino acid substitution p.Ser650Phe. To our knowledge, this variant has not been reported in the literature. This variant is reported in 0.016% of alleles in individuals of African descent in gnomAD. At this time, the clinical significance of this variant is uncertain due to the absence of conclusive functional and genetic evidence.

Ambry Genetics
Classification: Uncertain significance. Last evaluated: 2025-08-13. Review status: criteria provided, single submitter. Criteria: Ambry Variant Classification Scheme 2023. Collection method: clinical testing. Allele origin: germline.